The following is an entry in ClinVar:

ClinVar aggregate classification (germline): Conflicting classifications of pathogenicity. Review status: criteria provided, conflicting classifications (1 of 4 stars). 2 submissions from 2 submitters: Uncertain significance (1); Likely benign (1). Last evaluated 2025-02-08.

Conditions:
Combined oxidative phosphorylation defect type 27. Also called: Combined oxidative phosphorylation deficiency 27. Identifiers: Orphanet 477774, MedGen C5567608, MONDO:0014728, OMIM 616672.
Inborn genetic diseases. Identifiers: MedGen C0950123, MeSH D030342.

Allele frequency attached by ClinVar (database versions not stated): gnomAD below 0.00001 and 0.00001; gnomAD exomes below 0.00001.
gnomAD v4.1: 3 of 1,608,878 alleles (0.00019%); highest among the groups gnomAD compares: South Asian, 0.0022%; no homozygotes.

Submissions (2):

Ambry Genetics
Classification: Likely benign for Inborn genetic diseases. Last evaluated: 2025-02-08. Review status: criteria provided, single submitter. Criteria: Ambry Variant Classification Scheme 2023. Collection method: clinical testing. Allele origin: germline.

Labcorp Genetics (formerly Invitae), Labcorp
Classification: Uncertain significance for Combined oxidative phosphorylation defect type 27. Last evaluated: 2022-06-13. Review status: criteria provided, single submitter. Criteria: Invitae Variant Classification Sherloc (09022015). Collection method: clinical testing. Allele origin: germline.
Comment: This variant is not present in population databases (gnomAD no frequency). This sequence change replaces tyrosine, which is neutral and polar, with cysteine, which is neutral and slightly polar, at codon 473 of the CARS2 protein (p.Tyr473Cys). This variant has not been reported in the literature in individuals affected with CARS2-related conditions. In summary, the available evidence is currently insufficient to determine the role of this variant in disease. Therefore, it has been classified as a Variant of Uncertain Significance. Algorithms developed to predict the effect of missense changes on protein structure and function output the following: SIFT: "Tolerated"; PolyPhen-2: "Benign"; Align-GVGD: "Class C0". The cysteine amino acid residue is found in multiple mammalian species, which suggests that this missense change does not adversely affect protein function. ClinVar contains an entry for this variant (Variation ID: 957019).

NM_024537.4(CARS2):c.1418A>G (p.Tyr473Cys)

Gene: CARS2 (cysteinyl-tRNA synthetase 2, mitochondrial; minus strand). Cytogenetic location: 13q34.
Variant type: single nucleotide variant.
Coding change: c.1418A>G on transcript NM_024537.4 (MANE Select); coding-DNA position 1418, A replaced by G.
Protein change: p.Tyr473Cys; replaces tyrosine 473 with cysteine.
Molecular consequence: missense variant. On other transcripts: non-coding transcript variant (2).
Genome position (GRCh38, 1-based): chr13:110,642,520, T>C on the plus strand (A>G on the coding strand, the complement: CARS2 is on the minus strand). VCF-style: chr13-110642520-T-C. GRCh37 (hg19) VCF-style: chr13-111294867-T-C.
Other names: c.632A>G, p.Tyr211Cys (NM_001352252.2); c.1418A>G (NM_024537.2); short protein forms Y211C, Y473C.
Identifiers: ClinVar variation 957019 (VCV000957019.8), dbSNP rs1232251739, ClinGen allele CA388740591.